The following is an entry in ClinVar:

NM_001999.4(FBN2):c.806T>C (p.Ile269Thr)

Gene: FBN2 (fibrillin 2; minus strand). Cytogenetic location: 5q23.3.
Variant type: single nucleotide variant.
Coding change: c.806T>C on transcript NM_001999.4 (MANE Select); coding-DNA position 806, T replaced by C.
Protein change: p.Ile269Thr; replaces isoleucine 269 with threonine.
Molecular consequence: missense variant.
Genome position (GRCh38, 1-based): chr5:128,464,744, A>G on the plus strand (T>C on the coding strand, the complement: FBN2 is on the minus strand). VCF-style: chr5-128464744-A-G. GRCh37 (hg19) VCF-style: chr5-127800437-A-G.
Other names: short protein forms I269T.
Identifiers: ClinVar variation 411837 (VCV000411837.14), dbSNP rs771008563, ClinGen allele CA3396003.

ClinVar aggregate classification (germline): Conflicting classifications of pathogenicity. Review status: criteria provided, conflicting classifications (1 of 4 stars). 4 submissions from 4 submitters: Uncertain significance (2); Likely benign (2). Last evaluated 2025-01-14.

Conditions:
Congenital contractural arachnodactyly (CCA). Also called: BEALS SYNDROME; Arthrogryposis, distal, type 9; Beals-Hecht syndrome. Identifiers: Orphanet 115, MedGen C0220668, MONDO:0007363, OMIM 121050.

Allele frequency attached by ClinVar (database versions not stated): gnomAD below 0.00001 and 0.00001; TOPMed 0.00001; gnomAD exomes 0.00003; ExAC 0.00005.
gnomAD v4.1: 39 of 1,613,736 alleles (0.0024%); highest among the groups gnomAD compares: Middle Eastern, 0.1%; 1 homozygote.

Submissions (4):

Revvity Omics, Revvity
Classification: Uncertain significance. Last evaluated: 2025-01-14. Review status: criteria provided, single submitter. Criteria: ACMG Guidelines, 2015. Collection method: clinical testing. Allele origin: germline.

Blueprint Genetics
Classification: Likely benign. Last evaluated: 2024-11-26. Review status: criteria provided, single submitter. Criteria: ACMG Guidelines, 2015. Collection method: clinical testing. Allele origin: germline.

GeneDx
Classification: Uncertain significance. Last evaluated: 2023-11-09. Review status: criteria provided, single submitter. Criteria: GeneDx Variant Classification Process June 2021. Collection method: clinical testing. Allele origin: germline. Affected: yes.
Comment: In silico analysis supports that this missense variant has a deleterious effect on protein structure/function; Has not been previously published as pathogenic or benign to our knowledge

Labcorp Genetics (formerly Invitae), Labcorp
Classification: Likely benign for Congenital contractural arachnodactyly. Last evaluated: 2023-07-07. Review status: criteria provided, single submitter. Criteria: Invitae Variant Classification Sherloc (09022015). Collection method: clinical testing. Allele origin: germline.